The following is an entry in ClinVar:

ClinVar aggregate classification (germline): Conflicting classifications of pathogenicity. Review status: criteria provided, conflicting classifications (1 of 4 stars). 3 submissions from 3 submitters: Likely pathogenic (2); Uncertain significance (1). Last evaluated 2025-08-07.

Conditions:
CFTR-related disorder (CFTR-RD). Also called: CFTR-related disorders; CFTR-related condition. Identifiers: MedGen C5924204, MONDO:7770004.
Cystic fibrosis (CF). Also called: MUCOVISCIDOSIS. Identifiers: Orphanet 586, MedGen C0010674, MONDO:0009061, OMIM 219700. Disease mechanism: loss of function.

Submissions (3):

Natera, Inc.
Classification: Likely pathogenic for CFTR-related disorders. Last evaluated: 2025-08-07. Review status: criteria provided, single submitter. Criteria: Natera Variant Classification Schema (03/2026). Collection method: clinical testing. Allele origin: germline.
Comment: The c.3131A>G variant in CFTR is a missense variant predicted to cause substitution of glutamic acid to glycine at amino acid 1044. This variant is rare in the general population with a frequency below the threshold expected for the associated phenotype(s). This variant has been observed in one or more individuals affected with the associated recessive disease, as either homozygous or compound heterozygous with a second variant (PMID: 25122143, 28751295, 36398272). Functional studies show that this variant may disrupt protein function (PMID: 38388235). Computational prediction algorithms indicate this variant is likely to affect gene or protein function. Given the available evidence, this variant is classified as Likely Pathogenic.

Women's Health and Genetics/Laboratory Corporation of America, LabCorp
Classification: Likely pathogenic for Cystic fibrosis. Last evaluated: 2024-04-17. Review status: criteria provided, single submitter. Criteria: LabCorp Variant Classification Summary - May 2015. Collection method: clinical testing. Allele origin: germline.
Comment: Variant summary: CFTR c.3131A>G (p.Glu1044Gly) results in a non-conservative amino acid change located in the ABC transporter type 1, transmembrane domain (IPR011527) of the encoded protein sequence. Five of five in-silico tools predict a damaging effect of the variant on protein function. The variant was absent in 250756 control chromosomes. c.3131A>G has been reported in the literature in individuals affected with Cystic Fibrosis (Audrezet_2015, Basaran_2021). These data indicate that the variant is likely to be associated with disease. To our knowledge, no experimental evidence demonstrating an impact on protein function has been reported. The following publications have been ascertained in the context of this evaluation (PMID: 25122143, 35110256).ClinVar contains an entry for this variant (Variation ID: 53655). Based on the evidence outlined above, the variant was classified as likely pathogenic.

ARUP Laboratories, Molecular Genetics and Genomics, ARUP Laboratories
Classification: Uncertain significance. Last evaluated: 2017-02-24. Review status: criteria provided, single submitter. Criteria: ARUP Molecular Germline Variant Investigation Process. Collection method: clinical testing. Allele origin: germline.

Literature cited by the submitters: PubMed 25122143 (cited by Natera, Inc. and Women's Health and Genetics/Laboratory Corporation of America, LabCorp); PubMed 28751295 (cited by Natera, Inc.); PubMed 36398272 (cited by Natera, Inc.); PubMed 38388235 (cited by Natera, Inc.); PubMed 35110256 (cited by Women's Health and Genetics/Laboratory Corporation of America, LabCorp).

NM_000492.4(CFTR):c.3131A>G (p.Glu1044Gly)

Genes: CFTR (CF transmembrane conductance regulator; plus strand), CFTR-AS2 (CFTR antisense RNA 2; minus strand), LOC111674472 (DNase I hypersensitive sites in introns 16 and 17a of CFTR; plus strand). Cytogenetic location: 7q31.2.
Variant type: single nucleotide variant.
Coding change: c.3131A>G on transcript NM_000492.4 (MANE Select); coding-DNA position 3131, A replaced by G.
Protein change: p.Glu1044Gly; replaces glutamic acid 1044 with glycine.
Molecular consequence: missense variant.
Genome position (GRCh38, 1-based): chr7:117,610,661, A>G. VCF-style: chr7-117610661-A-G. GRCh37 (hg19) VCF-style: chr7-117250715-A-G.
Other names: short protein forms E1044G.
Identifiers: ClinVar variation 53655 (VCV000053655.10), dbSNP rs397508501, ClinGen allele CA327051.